The following is an entry in ClinVar:

NM_001042492.3(NF1):c.3113+5G>T

Gene: NF1 (neurofibromin 1; plus strand). Cytogenetic location: 17q11.2.
Variant type: single nucleotide variant.
Coding change: c.3113+5G>T on transcript NM_001042492.3 (MANE Select); 5 bases into the intron after coding-DNA position 3113, G replaced by T.
Molecular consequence: intron variant.
Genome position (GRCh38, 1-based): chr17:31,230,387, G>T. VCF-style: chr17-31230387-G-T. GRCh37 (hg19) VCF-style: chr17-29557405-G-T.
Other names: c.3113+5G>T (NM_001042492.2, NM_000267.4).
Identifiers: ClinVar variation 2137975 (VCV002137975.5), dbSNP rs1555614549, ClinGen allele CA2580092850.

ClinVar aggregate classification (germline): Conflicting classifications of pathogenicity. Review status: criteria provided, conflicting classifications (1 of 4 stars). 2 submissions from 2 submitters: Pathogenic (1); Uncertain significance (1). Last evaluated 2026-04-01.

Conditions:
Neurofibromatosis, type 1 (NF1). Also called: Neurofibromatosis, type I; VON RECKLINGHAUSEN DISEASE; NEUROFIBROMATOSIS, TYPE I, SOMATIC; Peripheral type neurofibromatosis. Identifiers: Orphanet 636, MedGen C0027831, MONDO:0018975, OMIM 162200. Disease mechanism: loss of function.

Submissions (2):

Department of Genetics, Sultan Qaboos University Hospital
Classification: Uncertain significance for Neurofibromatosis, type 1. Last evaluated: 2026-04-01. Review status: criteria provided, single submitter. Criteria: ACMG Guidelines, 2015. Collection method: clinical testing. Allele origin: germline. Affected: yes. Observed: 1 variant allele.
Comment: PM2,PP3,PP5_Moderate

Labcorp Genetics (formerly Invitae), Labcorp
Classification: Pathogenic for Neurofibromatosis, type 1. Last evaluated: 2025-11-16. Review status: criteria provided, single submitter. Criteria: Invitae Variant Classification Sherloc (09022015). Collection method: clinical testing. Allele origin: germline.
Comment: This sequence change falls in intron 23 of the NF1 gene. It does not directly change the encoded amino acid sequence of the NF1 protein. RNA analysis indicates that this variant induces altered splicing and likely results in a shortened protein product. This variant is not present in population databases (gnomAD no frequency). This variant has been observed in individual(s) with clinical features of neurofibromatosis type 1 (PMID: 12807981, 17311297). Invitae Evidence Modeling of clinical and family history, age, sex, and reported ancestry of multiple individuals with this NF1 variant has been performed. This variant is expected to be pathogenic with a positive predictive value of at least 99%. This is a validated machine learning model that incorporates the clinical features of 1,785,918 individuals referred to our laboratory for NF1 testing. ClinVar contains an entry for this variant (Variation ID: 2137975). Variants that disrupt the consensus splice site are a relatively common cause of aberrant splicing (PMID: 17576681, 9536098). Studies have shown that this variant results in skipping of exon 18, but is expected to preserve the integrity of the reading-frame (PMID: 17311297). This variant disrupts the c.3113+5G nucleotide in the NF1 gene. Other variant(s) that disrupt this nucleotide have been determined to be pathogenic (PMID: 12807981, 17311297, 18546366). This suggests that this nucleotide is clinically significant, and that variants that disrupt this position are likely to be disease-causing. For these reasons, this variant has been classified as Pathogenic.

Literature cited by the submitters: PubMed 12807981 (cited by Labcorp Genetics (formerly Invitae), Labcorp); PubMed 17311297 (cited by Labcorp Genetics (formerly Invitae), Labcorp); PubMed 17576681 (cited by Labcorp Genetics (formerly Invitae), Labcorp); PubMed 9536098 (cited by Labcorp Genetics (formerly Invitae), Labcorp); PubMed 18546366 (cited by Labcorp Genetics (formerly Invitae), Labcorp).